The following is an entry in ClinVar:

NM_001267550.2(TTN):c.105038G>A (p.Arg35013His)

Genes: TTN (titin; minus strand), TTN-AS1 (TTN antisense RNA 1; plus strand). Cytogenetic location: 2q31.2.
Variant type: single nucleotide variant.
Coding change: c.105038G>A on transcript NM_001267550.2 (MANE Select); coding-DNA position 105038, G replaced by A.
Protein change: p.Arg35013His; replaces arginine 35013 with histidine.
Molecular consequence: missense variant.
Genome position (GRCh38, 1-based): chr2:178,531,577, C>T on the plus strand (G>A on the coding strand, the complement: TTN is on the minus strand). VCF-style: chr2-178531577-C-T. GRCh37 (hg19) VCF-style: chr2-179396304-C-T.
Other names: c.100115G>A, p.Arg33372His (NM_001256850.1); c.77843G>A, p.Arg25948His (NM_003319.4); c.97334G>A, p.Arg32445His (NM_133378.4); c.78218G>A, p.Arg26073His (NM_133432.3); c.78419G>A, p.Arg26140His (NM_133437.4); short protein forms R25948H, R32445H, R26073H, R26140H, R33372H, R35013H.
Identifiers: ClinVar variation 954613 (VCV000954613.15), dbSNP rs779484675, ClinGen allele CA1985321.

ClinVar aggregate classification (germline): Conflicting classifications of pathogenicity. Review status: criteria provided, conflicting classifications (1 of 4 stars). 5 submissions from 5 submitters: Uncertain significance (4); Likely benign (1). Last evaluated 2026-09-08.

Conditions:
Autosomal recessive limb-girdle muscular dystrophy type 2J (LGMDR10). Also called: Limb-girdle muscular dystrophy, type 2J; MUSCULAR DYSTROPHY, LIMB-GIRDLE, AUTOSOMAL RECESSIVE 10. Identifiers: Orphanet 140922, MedGen C1837342, MONDO:0012127, OMIM 608807.
Dilated cardiomyopathy 1G (CMD1G). Identifiers: Orphanet 154, MedGen C1858763, MONDO:0011400, OMIM 604145.
TTN-related disorder. Also called: TTN-related condition; TTN-related disease; TTN-related disorders.
Early-onset myopathy with fatal cardiomyopathy (CMYO5). Also called: Salih Myopathy; CONGENITAL MYOPATHY 5 WITH CARDIOMYOPATHY. Identifiers: Orphanet 289377, MedGen C2673677, MONDO:0012714, OMIM 611705. Disease mechanism: loss of function.
Myopathy, myofibrillar, 9, with early respiratory failure (MFM9). Also called: Hereditary myopathy with early respiratory failure; EDSTROM MYOPATHY; MYOPATHY, PROXIMAL, WITH EARLY RESPIRATORY MUSCLE INVOLVEMENT; Myopathy, distal, with early respiratory failure, autosomal dominant. Identifiers: Orphanet 178464, Orphanet 34521, MedGen C1863599, MONDO:0011362, OMIM 603689.
Tibial muscular dystrophy (TMD). Also called: Tibial muscular dystrophy, tardive; Udd Distal Myopathy – Tibial Muscular Dystrophy; UDD MYOPATHY. Identifiers: Orphanet 609, MedGen C1838244, MONDO:0010870, OMIM 600334.
Hypertrophic cardiomyopathy 9. Also called: Familial hypertrophic cardiomyopathy 9. Identifiers: MedGen C1861065, MONDO:0013412, OMIM 613765.

Allele frequency attached by ClinVar (database versions not stated): gnomAD 0.00001; TOPMed 0.00001; gnomAD exomes 0.00003; ExAC 0.00006.
gnomAD v4.1: 46 of 1,613,836 alleles (0.0029%); highest among the groups gnomAD compares: South Asian, 0.02%; no homozygotes.

Submissions (5):

PreventionGenetics, part of Exact Sciences
Classification: Uncertain significance for TTN-related condition. Last evaluated: 2026-09-08. Review status: criteria provided, single submitter. Criteria: ACMG Guidelines, 2015. Collection method: clinical testing. Allele origin: germline.
Comment: The TTN c.105038G>A variant is predicted to result in the amino acid substitution p.Arg35013His. This variant has been reported in an individual with sudden unexplained death in childhood (described as p.Arg32445His in Table S3, Kotta et al. 2023. PubMed ID: 37589201). This variant is reported in 0.020% of alleles in individuals of South Asian descent in gnomAD. At this time, the clinical significance of this variant is uncertain due to the absence of conclusive functional and genetic evidence.

Labcorp Genetics (formerly Invitae), Labcorp
Classification: Uncertain significance for Dilated cardiomyopathy 1G; Autosomal recessive limb-girdle muscular dystrophy type 2J. Last evaluated: 2025-09-10. Review status: criteria provided, single submitter. Criteria: Invitae Variant Classification Sherloc (09022015). Collection method: clinical testing. Allele origin: germline.
Comment: This sequence change replaces arginine, which is basic and polar, with histidine, which is basic and polar, at codon 35013 of the TTN protein (p.Arg35013His). This variant is present in population databases (rs779484675, gnomAD 0.02%). This variant has not been reported in the literature in individuals affected with TTN-related conditions. ClinVar contains an entry for this variant (Variation ID: 954613). Experimental studies and prediction algorithms are not available or were not evaluated, and the functional significance of this variant is currently unknown. This variant is located in the M band of TTN (PMID: 25589632). Non-truncating variants in this region may be relevant for neuromuscular disorders, but have not been definitively shown to cause cardiomyopathy (PMID: 23975875). In summary, the available evidence is currently insufficient to determine the role of this variant in disease. Therefore, it has been classified as a Variant of Uncertain Significance.

Revvity Omics, Revvity
Classification: Uncertain significance. Last evaluated: 2025-05-30. Review status: criteria provided, single submitter. Criteria: ACMG Guidelines, 2015. Collection method: clinical testing. Allele origin: germline.

Molecular Diagnostic Laboratory for Inherited Cardiovascular Disease, Montreal Heart Institute
Classification: Likely benign. Last evaluated: 2025-04-09. Review status: criteria provided, single submitter. Criteria: ACMG Guidelines, 2015. Collection method: clinical testing. Allele origin: germline. Affected: no.

Fulgent Genetics
Classification: Uncertain significance for Tibial muscular dystrophy; Myopathy, myofibrillar, 9, with early respiratory failure; Dilated cardiomyopathy 1G; Autosomal recessive limb-girdle muscular dystrophy type 2J; Early-onset myopathy with fatal cardiomyopathy; Hypertrophic cardiomyopathy 9. Last evaluated: 2021-07-10. Review status: criteria provided, single submitter. Criteria: ACMG Guidelines, 2015. Collection method: clinical testing. Allele origin: unknown.

Literature cited by the submitters: PubMed 25589632 (cited by Labcorp Genetics (formerly Invitae), Labcorp); PubMed 23975875 (cited by Labcorp Genetics (formerly Invitae), Labcorp).